The following is an entry in ClinVar:

ClinVar aggregate classification (germline): Uncertain significance. Review status: criteria provided, multiple submitters, no conflicts (2 of 4 stars). 2 submissions from 2 submitters: Uncertain significance (2). Last evaluated 2024-08-27.

Conditions:
Cardiovascular phenotype. Identifiers: MedGen CN230736.

gnomAD v4.1: 1 of 1,612,832 alleles (0.000062%); highest among the groups gnomAD compares: Non-Finnish European, 0.000085%; no homozygotes.

Submissions (2):

Ambry Genetics
Classification: Uncertain significance for Cardiovascular phenotype. Last evaluated: 2024-08-27. Review status: criteria provided, single submitter. Criteria: Ambry Variant Classification Scheme 2023. Collection method: clinical testing. Allele origin: germline.
Comment: The p.K349R variant (also known as c.1046A>G), located in coding exon 6 of the FLNC gene, results from an A to G substitution at nucleotide position 1046. The lysine at codon 349 is replaced by arginine, an amino acid with highly similar properties. This amino acid position is highly conserved in available vertebrate species. In addition, this alteration is predicted to be tolerated by in silico analysis. Based on the available evidence, the clinical significance of this variant remains unclear.

Blueprint Genetics
Classification: Uncertain significance. Last evaluated: 2023-08-29. Review status: criteria provided, single submitter. Criteria: ACMG Guidelines, 2015. Collection method: clinical testing. Allele origin: germline.

NM_001458.5(FLNC):c.1046A>G (p.Lys349Arg)

Gene: FLNC (filamin C; plus strand). Cytogenetic location: 7q32.1.
Variant type: single nucleotide variant.
Coding change: c.1046A>G on transcript NM_001458.5 (MANE Select); coding-DNA position 1046, A replaced by G.
Protein change: p.Lys349Arg; replaces lysine 349 with arginine.
Molecular consequence: missense variant.
Genome position (GRCh38, 1-based): chr7:128,838,063, A>G. VCF-style: chr7-128838063-A-G. GRCh37 (hg19) VCF-style: chr7-128478117-A-G.
Other names: c.1046A>G, p.Lys349Arg (NM_001127487.2); short protein forms K349R.
Identifiers: ClinVar variation 3515938 (VCV003515938.2).
Genomic context (GRCh38, chr7:128,838,063, plus strand): 5'-ACAATGACAAGGATCGCACCTATGCTGTCTCCTATGTGCCCAAGGTCGCTGGGTTACACA[A>G]GGTATCTCCCTCTAGGCCCCCCTGCCTGCGCTGCTCTTCACATCCTTGGTTCCGGCTGCA-3'
Protein context (NP_001449.3, residues 339-359): SYVPKVAGLH[Lys349Arg]VTVLFAGQNI